The following is an entry in ClinVar:

NM_138691.3(TMC1):c.1298A>C (p.Tyr433Ser)

Gene: TMC1 (transmembrane channel like 1; plus strand). Cytogenetic location: 9q21.13.
Variant type: single nucleotide variant.
Coding change: c.1298A>C on transcript NM_138691.3 (MANE Select); coding-DNA position 1298, A replaced by C.
Protein change: p.Tyr433Ser; replaces tyrosine 433 with serine.
Molecular consequence: missense variant.
Genome position (GRCh38, 1-based): chr9:72,791,959, A>C. VCF-style: chr9-72791959-A-C. GRCh37 (hg19) VCF-style: chr9-75406875-A-C.
Other names: short protein forms Y433S.
Identifiers: ClinVar variation 3601887 (VCV003601887.1).

ClinVar aggregate classification (germline): Likely pathogenic (1 of 4 stars; one submission).

Conditions:
Autosomal recessive nonsyndromic hearing loss 7. Also called: DEAFNESS, AUTOSOMAL RECESSIVE 11. Identifiers: Orphanet 90636, MedGen C1832978, MONDO:0010967, OMIM 600974.

Submission:

Institute of Rare Diseases, West China Hospital, Sichuan University
Classification: Likely pathogenic for Autosomal recessive nonsyndromic hearing loss 7. Last evaluated: 2025-01-09. Review status: criteria provided, single submitter. Criteria: ClinGen HL ACMG Specifications v1. Collection method: research. Allele origin: germline. Affected: yes.
Comment: PM3_Strong;PP1;PM2_Supporting;PP3